The following is an entry in ClinVar:

NM_006859.4(LIAS):c.930G>A (p.Met310Ile)

Gene: LIAS (lipoic acid synthetase; plus strand). Cytogenetic location: 4p14.
Variant type: single nucleotide variant.
Coding change: c.930G>A on transcript NM_006859.4 (MANE Select); coding-DNA position 930, G replaced by A.
Protein change: p.Met310Ile; replaces methionine 310 with isoleucine.
Molecular consequence: missense variant.
Genome position (GRCh38, 1-based): chr4:39,471,282, G>A. VCF-style: chr4-39471282-G-A. GRCh37 (hg19) VCF-style: chr4-39472902-G-A.
Other names: p.M310I:ATG>ATA; c.801G>A, p.Met267Ile (NM_001278590.2); c.621G>A, p.Met207Ile (NM_001363700.2); c.930G>A, p.Met310Ile (NM_194451.3); short protein forms M310I, M207I, M267I.
Identifiers: ClinVar variation 206041 (VCV000206041.6), dbSNP rs796052700, ClinGen allele CA315743.
Genomic context (GRCh38, chr4:39,471,282, plus strand): 5'-TTTTCTTCCTACAGCACTTCGTGAGGCAGATGTAGACTGCTTGACTTTAGGACAATATAT[G>A]CAGCCAACAAGGCGTCACCTTAAGGTACATGTATCTTGATTTGCTTTTTTTTTTTTTTTT-3'
Protein context (NP_006850.2, residues 300-320): DVDCLTLGQY[Met310Ile]QPTRRHLKVE

ClinVar aggregate classification (germline): Uncertain significance. Review status: criteria provided, multiple submitters, no conflicts (2 of 4 stars). 2 submissions from 2 submitters: Uncertain significance (2). Last evaluated 2022-10-27.

Conditions:
Lipoic acid synthetase deficiency. Also called: HYPERGLYCINEMIA, LACTIC ACIDOSIS, AND SEIZURES. Identifiers: Orphanet 401859, MedGen C3280887, MONDO:0013762, OMIM 614462.

Allele frequency attached by ClinVar (database versions not stated): gnomAD 0.00001; TOPMed below 0.00001; gnomAD exomes below 0.00001 and 0.00005.
gnomAD v4.1: 71 of 1,609,870 alleles (0.0044%); highest among the groups gnomAD compares: Non-Finnish European, 0.0058%; no homozygotes.

Submissions (2):

Labcorp Genetics (formerly Invitae), Labcorp
Classification: Uncertain significance for Lipoic acid synthetase deficiency. Last evaluated: 2022-10-27. Review status: criteria provided, single submitter. Criteria: Invitae Variant Classification Sherloc (09022015). Collection method: clinical testing. Allele origin: germline.
Comment: This sequence change replaces methionine, which is neutral and non-polar, with isoleucine, which is neutral and non-polar, at codon 310 of the LIAS protein (p.Met310Ile). This variant is not present in population databases (gnomAD no frequency). This variant has not been reported in the literature in individuals affected with LIAS-related conditions. ClinVar contains an entry for this variant (Variation ID: 206041). Advanced modeling of protein sequence and biophysical properties (such as structural, functional, and spatial information, amino acid conservation, physicochemical variation, residue mobility, and thermodynamic stability) performed at Invitae indicates that this missense variant is not expected to disrupt LIAS protein function. In summary, the available evidence is currently insufficient to determine the role of this variant in disease. Therefore, it has been classified as a Variant of Uncertain Significance.

GeneDx
Classification: Uncertain significance. Last evaluated: 2014-06-06. Review status: criteria provided, single submitter. Criteria: GeneDx Variant Classification (06012015). Collection method: clinical testing. Allele origin: germline. Affected: yes.
Comment: p.Met310Ile (ATG>ATA): c.930 G>A in exon 9 of the LIAS gene (NM_006859.2). A variant of unknown significance has been identified in the LIAS gene. The M310I variant has not been published as a mutation, nor has it been reported as a benign polymorphism to our knowledge. The M310I variant is a conservative amino acid substitution, which is not likely to impact secondary protein structure as these residues share similar properties. This substitution occurs at a position that is conserved across species. In silico analysis is inconsistent in its predictions as to whether or not the variant is damaging to the protein structure/function. Therefore, based on the currently available information, it is unclear whether this variant is a pathogenic mutation or a rare benign variant. The variant is found in MITONUC-MITOP panel(s).